The following is an entry in ClinVar:

NM_001909.5(CTSD):c.1208G>C (p.Arg403Thr)

Gene: CTSD (cathepsin D; minus strand). Cytogenetic location: 11p15.5.
Variant type: single nucleotide variant.
Coding change: c.1208G>C on transcript NM_001909.5 (MANE Select); coding-DNA position 1208, G replaced by C.
Protein change: p.Arg403Thr; replaces arginine 403 with threonine.
Molecular consequence: missense variant.
Genome position (GRCh38, 1-based): chr11:1,753,534, C>G on the plus strand (G>C on the coding strand, the complement: CTSD is on the minus strand). VCF-style: chr11-1753534-C-G. GRCh37 (hg19) VCF-style: chr11-1774764-C-G.
Other names: p.Arg403Thr; short protein forms R403T.
Identifiers: ClinVar variation 409623 (VCV000409623.11), dbSNP rs779858404, ClinGen allele CA5813876.

ClinVar aggregate classification (germline): Uncertain significance. Review status: criteria provided, multiple submitters, no conflicts (2 of 4 stars). 3 submissions from 3 submitters: Uncertain significance (3). Last evaluated 2024-11-27.

Conditions:
Neuronal ceroid lipofuscinosis. Also called: Neuronal Ceroid Lipofuscinoses. Identifiers: Orphanet 216, Orphanet 79263, MedGen C0027877, MONDO:0016295. Disease mechanism: loss of function.

Allele frequency attached by ClinVar (database versions not stated): ExAC 0.00002; TOPMed 0.00003; gnomAD exomes 0.00005.

Submissions (3):

Athena Diagnostics
Classification: Uncertain significance. Last evaluated: 2024-11-27. Review status: criteria provided, single submitter. Criteria: Athena Diagnostics Criteria. Collection method: clinical testing. Allele origin: unknown.
Comment: Available data are insufficient to determine the clinical significance of the variant at this time. The frequency of this variant in the general population is uninformative in assessment of its pathogenicity. Polyphen and MutationTaster predict this amino acid change may be benign.

Labcorp Genetics (formerly Invitae), Labcorp
Classification: Uncertain significance for Neuronal ceroid lipofuscinosis. Last evaluated: 2022-07-19. Review status: criteria provided, single submitter. Criteria: Invitae Variant Classification Sherloc (09022015). Collection method: clinical testing. Allele origin: germline.
Comment: This sequence change replaces arginine, which is basic and polar, with threonine, which is neutral and polar, at codon 403 of the CTSD protein (p.Arg403Thr). This variant is present in population databases (rs779858404, gnomAD 0.04%). This variant has not been reported in the literature in individuals affected with CTSD-related conditions. ClinVar contains an entry for this variant (Variation ID: 409623). Algorithms developed to predict the effect of missense changes on protein structure and function output the following: SIFT: "Tolerated"; PolyPhen-2: "Possibly Damaging"; Align-GVGD: "Class C0". The threonine amino acid residue is found in multiple mammalian species, which suggests that this missense change does not adversely affect protein function. In summary, the available evidence is currently insufficient to determine the role of this variant in disease. Therefore, it has been classified as a Variant of Uncertain Significance.

Mayo Clinic Laboratories, Mayo Clinic
Classification: Uncertain significance. Last evaluated: 2021-11-26. Review status: criteria provided, single submitter. Criteria: ACMG Guidelines, 2015. Collection method: clinical testing. Allele origin: germline.